The following is an entry in ClinVar:

ClinVar aggregate classification (germline): Uncertain significance (1 of 4 stars; one submission).

Conditions:
Hereditary cancer-predisposing syndrome. Also called: Neoplastic Syndromes, Hereditary; Tumor predisposition; Hereditary Cancer Syndrome; Hereditary neoplastic syndrome. Identifiers: Orphanet 140162, MedGen C0027672, MeSH D009386, MONDO:0015356.

Submission:

Ambry Genetics
Classification: Uncertain significance for Hereditary cancer-predisposing syndrome. Last evaluated: 2025-11-26. Review status: criteria provided, single submitter. Criteria: Ambry Variant Classification Scheme 2023. Collection method: clinical testing. Allele origin: germline.
Comment: The p.H73N variant (also known as c.217C>A), located in coding exon 1 of the PHOX2B gene, results from a C to A substitution at nucleotide position 217. The histidine at codon 73 is replaced by asparagine, an amino acid with similar properties. This amino acid position is conserved. In addition, the in silico prediction for this alteration is inconclusive. Based on the available evidence, the clinical significance of this variant remains unclear.

NM_003924.4(PHOX2B):c.217C>A (p.His73Asn)

Genes: PHOX2B (paired like homeobox 2B; minus strand), PHOX2B-AS1 (PHOX2B antisense RNA 1; plus strand). Cytogenetic location: 4p13.
Variant type: single nucleotide variant.
Coding change: c.217C>A on transcript NM_003924.4 (MANE Select); coding-DNA position 217, C replaced by A.
Protein change: p.His73Asn; replaces histidine 73 with asparagine.
Molecular consequence: missense variant. On other transcripts: non-coding transcript variant (1).
Genome position (GRCh38, 1-based): chr4:41,748,394, G>T on the plus strand (C>A on the coding strand, the complement: PHOX2B is on the minus strand). VCF-style: chr4-41748394-G-T. GRCh37 (hg19) VCF-style: chr4-41750411-G-T.
Other names: short protein forms H73N.
Identifiers: ClinVar variation 4666114 (VCV004666114.1).